The following is an entry in ClinVar:

ClinVar aggregate classification (germline): Benign/Likely benign. Review status: criteria provided, multiple submitters, no conflicts (2 of 4 stars). 9 submissions from 9 submitters: Benign (7); Likely benign (2). Last evaluated 2026-02-04.

Conditions:
Combined immunodeficiency due to LRBA deficiency. Also called: Common variable immunodeficiency 8, with autoimmunity. Identifiers: Orphanet 445018, MedGen C3553512, MONDO:0013863, OMIM 614700.

Allele frequency attached by ClinVar (database versions not stated): ESP Exome Variant Server 0.22320; ExAC 0.27726; gnomAD exomes 0.27999 and 0.20888; TOPMed 0.20462; 1000 Genomes Project 30x 0.15959; 1000 Genomes Project 0.16214; gnomAD 0.20925 and 0.21105.
gnomAD v4.1: 434,881 of 1,595,388 alleles (27%); highest among the groups gnomAD compares: Non-Finnish European, 31%; 64,008 homozygotes.

Submissions (9):

Labcorp Genetics (formerly Invitae), Labcorp
Classification: Benign for Combined immunodeficiency due to LRBA deficiency. Last evaluated: 2026-02-04. Review status: criteria provided, single submitter. Criteria: Invitae Variant Classification Sherloc (09022015). Collection method: clinical testing. Allele origin: germline.

Women's Health and Genetics/Laboratory Corporation of America, LabCorp
Classification: Likely benign. Last evaluated: 2026-01-21. Review status: criteria provided, single submitter. Criteria: LabCorp Variant Classification Summary - May 2015. Collection method: clinical testing. Allele origin: germline.

Blueprint Genetics
Classification: Likely benign. Last evaluated: 2024-11-26. Review status: criteria provided, single submitter. Criteria: ACMG Guidelines, 2015. Collection method: clinical testing. Allele origin: germline.

Genomic Medicine Center of Excellence, King Faisal Specialist Hospital and Research Centre
Classification: Benign for Combined immunodeficiency due to LRBA deficiency. Last evaluated: 2024-03-26. Review status: criteria provided, single submitter. Criteria: ACMG Guidelines, 2015. Collection method: clinical testing. Allele origin: germline.

Unidad de Genómica Garrahan, Hospital de Pediatría Garrahan
Classification: Benign. Last evaluated: 2023-11-12. Review status: criteria provided, single submitter. Criteria: ACMG Guidelines, 2015. Collection method: clinical testing. Allele origin: germline. Affected: no. Observed: 34 variant alleles.
Comment: This variant is classified as Benign based on local population frequency. This variant was detected in 35% of patients studied by a panel of primary immunodeficiencies. Number of patients: 34. Only high quality variants are reported.

GeneDx
Classification: Benign. Last evaluated: 2021-06-09. Review status: criteria provided, single submitter. Criteria: GeneDx Variant Classification Process June 2021. Collection method: clinical testing. Allele origin: germline. Affected: yes.

Mayo Clinic Laboratories, Mayo Clinic
Classification: Benign. Last evaluated: 2016-09-30. Review status: criteria provided, single submitter. Criteria: ACMG Guidelines, 2015. Collection method: clinical testing. Allele origin: germline. Observed: 478 variant alleles.

Laboratory for Molecular Medicine, Mass General Brigham Personalized Medicine
Classification: Benign. Last evaluated: 2016-03-29. Review status: criteria provided, single submitter. Criteria: LMM Criteria. Collection method: clinical testing. Allele origin: germline.
Comment: Variant identified in a genome or exome case(s) and assessed due to predicted null impact of the variant or pathogenic assertions in the literature or databases. Disclaimer: This variant has not undergone full assessment. The following are preliminary notes: Frequency

Breakthrough Genomics
Classification: Benign. Review status: criteria provided, single submitter. Criteria: ACMG Guidelines, 2015. Collection method: not provided. Allele origin: germline. Inheritance: Autosomal recessive inheritance. Affected: yes.

NM_001364905.1(LRBA):c.8077G>A (p.Ala2693Thr)

Gene: LRBA (LPS responsive beige-like anchor protein; minus strand). Cytogenetic location: 4q31.3.
Variant type: single nucleotide variant.
Coding change: c.8077G>A on transcript NM_001364905.1 (MANE Select); coding-DNA position 8077, G replaced by A.
Protein change: p.Ala2693Thr; replaces alanine 2693 with threonine.
Molecular consequence: missense variant.
Genome position (GRCh38, 1-based): chr4:150,285,975, C>T on the plus strand (G>A on the coding strand, the complement: LRBA is on the minus strand). VCF-style: chr4-150285975-C-T. GRCh37 (hg19) VCF-style: chr4-151207127-C-T.
Other names: c.8074G>A, p.Ala2692Thr (NM_001199282.3); c.8092G>A, p.Ala2698Thr (NM_001367550.1); c.8110G>A, p.Ala2704Thr (NM_006726.5); short protein forms A2704T, A2692T, A2693T, A2698T.
Identifiers: ClinVar variation 403048 (VCV000403048.21), dbSNP rs3749574, ClinGen allele CA3101446.
Genomic context (GRCh38, chr4:150,285,975, plus strand): 5'-AAGGTACCACAGGTTTACCTTGTGAACCACTCAACACCAGGCCTAGCTCCGCACACACCG[C>T]AGCACATGTGACCTCATAGTCATGGCCGGTCAAAATGGCCCGAGGAGCAGCAGTCTCACC-3'
Protein context (NP_001351834.1, residues 2683-2703): TGHDYEVTCA[Ala2693Thr]VCAELGLVLS